The following is an entry in ClinVar:

ClinVar aggregate classification (germline): Uncertain significance (1 of 4 stars; one submission).

Conditions:
FLNB-related disorder. Also called: FLNB-related condition; FLNB-related disorders. Identifiers: MedGen CN381095.

Allele frequency attached by ClinVar (database versions not stated): gnomAD exomes below 0.00001; TOPMed below 0.00001.
gnomAD v4.1: 1 of 1,614,158 alleles (0.000062%); highest among the groups gnomAD compares: Non-Finnish European, 0.000085%; no homozygotes.

Submission:

PreventionGenetics, part of Exact Sciences
Classification: Uncertain significance for FLNB-related condition. Last evaluated: 2023-08-21. Review status: criteria provided, single submitter. Criteria: ACMG Guidelines, 2015. Collection method: clinical testing. Allele origin: germline.
Comment: The FLNB c.2597C>T variant is predicted to result in the amino acid substitution p.Thr866Ile. To our knowledge, this variant has not been reported in the literature. This variant is reported in 0.00088% of alleles in individuals of European (Non-Finnish) descent in gnomAD. At this time, the clinical significance of this variant is uncertain due to the absence of conclusive functional and genetic evidence.

NM_001457.4(FLNB):c.2597C>T (p.Thr866Ile)

Gene: FLNB (filamin B; plus strand). Cytogenetic location: 3p14.3.
Variant type: single nucleotide variant.
Coding change: c.2597C>T on transcript NM_001457.4 (MANE Select); coding-DNA position 2597, C replaced by T.
Protein change: p.Thr866Ile; replaces threonine 866 with isoleucine.
Molecular consequence: missense variant.
Genome position (GRCh38, 1-based): chr3:58,112,170, C>T. VCF-style: chr3-58112170-C-T. GRCh37 (hg19) VCF-style: chr3-58097897-C-T.
Other names: c.2597C>T, p.Thr866Ile (NM_001164317.2, NM_001164318.2, NM_001164319.2); short protein forms T866I.
Identifiers: ClinVar variation 2631146 (VCV002631146.1), dbSNP rs1386236064, ClinGen allele CA353345782.